The following is an entry in ClinVar:

ClinVar aggregate classification (germline): Conflicting classifications of pathogenicity. Review status: criteria provided, conflicting classifications (1 of 4 stars). 10 submissions from 9 submitters: Uncertain significance (9); Benign (1). Last evaluated 2025-12-31.

Conditions:
AXIN2-related disorder.
Colorectal cancer. Also called: Malignant Colorectal Neoplasm; Colorectal cancer, somatic. Identifiers: MedGen C0346629, MONDO:0005575, OMIM 114500.
Oligodontia-cancer predisposition syndrome. Also called: TOOTH AGENESIS-COLORECTAL CANCER SYNDROME. Identifiers: Orphanet 300576, MedGen C1837750, MONDO:0012075, OMIM 608615. Disease mechanism: loss of function.
Hereditary cancer-predisposing syndrome. Also called: Tumor predisposition; Hereditary neoplastic syndrome; Neoplastic Syndromes, Hereditary; Hereditary Cancer Syndrome. Identifiers: Orphanet 140162, MedGen C0027672, MeSH D009386, MONDO:0015356.
Carcinoma of colon (CRC). Also called: Colonic carcinoma; Colon carcinoma. Identifiers: MedGen C0699790, MONDO:0002032.

Allele frequency attached by ClinVar (database versions not stated): ExAC 0.00003; gnomAD exomes 0.00003; gnomAD 0.00006 and 0.00007; TOPMed 0.00009; ESP Exome Variant Server 0.00031.
gnomAD v4.1: 52 of 1,614,064 alleles (0.0032%); highest among the groups gnomAD compares: African/African-American, 0.017%; no homozygotes.

Submissions (10):

Labcorp Genetics (formerly Invitae), Labcorp
Classification: Uncertain significance for Oligodontia-cancer predisposition syndrome. Last evaluated: 2025-12-31. Review status: criteria provided, single submitter. Criteria: Invitae Variant Classification Sherloc (09022015). Collection method: clinical testing. Allele origin: germline.
Comment: This sequence change replaces alanine, which is neutral and non-polar, with threonine, which is neutral and polar, at codon 728 of the AXIN2 protein (p.Ala728Thr). This variant is present in population databases (rs141260153, gnomAD 0.02%). This variant has not been reported in the literature in individuals affected with AXIN2-related conditions. ClinVar contains an entry for this variant (Variation ID: 464597). An algorithm developed to predict the effect of missense changes on protein structure and function outputs the following: PolyPhen-2: "Benign". The threonine amino acid residue is found in multiple mammalian species, which suggests that this missense change does not adversely affect protein function. In summary, the available evidence is currently insufficient to determine the role of this variant in disease. Therefore, it has been classified as a Variant of Uncertain Significance.

GeneDx
Classification: Uncertain significance. Last evaluated: 2025-03-11. Review status: criteria provided, single submitter. Criteria: GeneDx Variant Classification Process June 2021. Collection method: clinical testing. Allele origin: germline. Affected: yes.
Comment: In silico analysis indicates that this missense variant does not alter protein structure/function; Has not been previously published as pathogenic or benign to our knowledge

Center for Genomic Medicine, Rigshospitalet, Copenhagen University Hospital
Classification: Uncertain significance. Last evaluated: 2025-03-04. Review status: criteria provided, single submitter. Criteria: ACMG Guidelines, 2015. Collection method: clinical testing. Allele origin: germline.

Ambry Genetics
Classification: Benign for Hereditary cancer-predisposing syndrome. Last evaluated: 2025-02-24. Review status: criteria provided, single submitter. Criteria: Ambry Variant Classification Scheme 2023. Collection method: clinical testing. Allele origin: germline.

PreventionGenetics, part of Exact Sciences
Classification: Uncertain significance for AXIN2-related condition. Last evaluated: 2025-01-23. Review status: criteria provided, single submitter. Criteria: ACMG Guidelines, 2015. Collection method: clinical testing. Allele origin: germline.
Comment: The AXIN2 c.2182G>A variant is predicted to result in the amino acid substitution p.Ala728Thr. To our knowledge, this variant has not been reported in the literature. This variant is reported in 0.024% of alleles in individuals of African descent in gnomAD and is interpreted as uncertain in ClinVar. At this time, the clinical significance of this variant is uncertain due to the absence of conclusive functional and genetic evidence.

Quest Diagnostics Nichols Institute San Juan Capistrano
Classification: Uncertain significance. Last evaluated: 2024-05-01. Review status: criteria provided, single submitter. Criteria: Quest Diagnostics criteria. Collection method: clinical testing. Allele origin: unknown.
Comment: The AXIN2 c.2182G>A (p.Ala728Thr) variant has not been reported as a germline variant in individuals with AXIN2-related conditions in the published literature. The frequency of this variant in the general population, 0.00024 (6/24958 chromosomes in African/African American subpopulation (Genome Aggregation Database)), is higher than would generally be expected for pathogenic variants in this gene. Analysis of this variant using bioinformatics tools for the prediction of the effect of amino acid changes on protein structure and function yielded predictions that this variant is benign. Based on the available information, we are unable to determine the clinical significance of this variant.

Fulgent Genetics
Classification: Uncertain significance for Colorectal cancer; Oligodontia-cancer predisposition syndrome. Last evaluated: 2024-04-26. Review status: criteria provided, single submitter. Criteria: ACMG Guidelines, 2015. Collection method: clinical testing. Allele origin: germline.

Sema4
Classification: Uncertain significance for Hereditary cancer-predisposing syndrome. Last evaluated: 2021-10-08. Review status: criteria provided, single submitter. Criteria: Sema4 Curation Guidelines. Collection method: curation. Allele origin: germline.
Comment: The AXIN2 c.2182G>A (p.A728T) variant has not been reported in the literature to our knowledge. It was observed in 6/24958 chromosomes of the African subpopulation in the large and broad cohorts of the Genome Aggregation Database (PMID: 32461654). This variant has been reported in ClinVar (Variation ID 464597). In silico tools suggest the impact of the variant on protein function is benign, though these predictions have not been confirmed by functional studies. The evidence is insufficient to meet ACMG/AMP criteria for classifying the variant as benign or pathogenic. Thus, the clinical significance of this variant is currently uncertain.

Fulgent Genetics
Classification: Uncertain significance for Colorectal cancer; Oligodontia-cancer predisposition syndrome. Last evaluated: 2018-10-31. Review status: criteria provided, single submitter. Criteria: ACMG Guidelines, 2015. Collection method: clinical testing. Allele origin: unknown.

Women's Health and Genetics/Laboratory Corporation of America, LabCorp
Classification: Uncertain significance. Last evaluated: 2018-04-06. Review status: criteria provided, single submitter. Criteria: LabCorp Variant Classification Summary - May 2015. Collection method: clinical testing. Allele origin: germline.
Comment: Variant summary: AXIN2 c.2182G>A (p.Ala728Thr) results in a non-conservative amino acid change in the encoded protein sequence. Four of five in-silico tools predict a benign effect of the variant on protein function. The variant was observed with an allele frequency of 0.00025 in 277138 control chromosomes (gnomAD). The observed variant frequency within African control individuals in the gnomAD database is approximately 1.8-fold higher than the estimated maximal expected allele frequency for a pathogenic variant in AXIN2 causing Colorectal Cancer phenotype (0.00014), strongly suggesting that the variant is a benign polymorphism found primarily in population(s) of African origin. To our knowledge, no occurrence of c.2182G>A in individuals affected with Colorectal Cancer and no experimental evidence demonstrating its impact on protein function have been reported. A ClinVar submission from a clinical diagnostic laboratory (evaluation after 2014) cites the variant as "uncertain significance." Based on the evidence outlined above, the variant was classified as VUS - possibly benign.

Literature cited by the submitters: PubMed 37231433 (cited by Quest Diagnostics Nichols Institute San Juan Capistrano).

NM_004655.4(AXIN2):c.2182G>A (p.Ala728Thr)

Gene: AXIN2 (axin 2; minus strand). Cytogenetic location: 17q24.1.
Variant type: single nucleotide variant.
Coding change: c.2182G>A on transcript NM_004655.4 (MANE Select); coding-DNA position 2182, G replaced by A.
Protein change: p.Ala728Thr; replaces alanine 728 with threonine.
Molecular consequence: missense variant.
Genome position (GRCh38, 1-based): chr17:65,535,681, C>T on the plus strand (G>A on the coding strand, the complement: AXIN2 is on the minus strand). VCF-style: chr17-65535681-C-T. GRCh37 (hg19) VCF-style: chr17-63531799-C-T.
Other names: c.2182G>A (LRG_296t1); c.1987G>A, p.Ala663Thr (NM_001363813.1); short protein forms A728T, A663T.
Identifiers: ClinVar variation 464597 (VCV000464597.36), dbSNP rs141260153, ClinGen allele CA8718385.
Genomic context (GRCh38, chr17:65,535,681, plus strand): 5'-CTCACTCTTCTGGAGCCAGGCTTGGATTGGAGAAGGGTGTGGCTCCCGTCTGAACAGTGG[C>T]CGAATGATTCCTGTCCCTCTGCTGACTGGCCACACAGCACCTGAGGACACAGCCAGGGCG-3'
Protein context (NP_004646.3, residues 718-738): ASQQRDRNHS[Ala728Thr]TVQTGATPFS